The following is an entry in ClinVar:

NM_003126.4(SPTA1):c.4936C>T (p.Leu1646Phe)

Gene: SPTA1 (spectrin alpha, erythrocytic 1; minus strand). Cytogenetic location: 1q23.1.
Variant type: single nucleotide variant.
Coding change: c.4936C>T on transcript NM_003126.4 (MANE Select); coding-DNA position 4936, C replaced by T.
Protein change: p.Leu1646Phe; replaces leucine 1646 with phenylalanine.
Molecular consequence: missense variant.
Genome position (GRCh38, 1-based): chr1:158,639,626, G>A on the plus strand (C>T on the coding strand, the complement: SPTA1 is on the minus strand). VCF-style: chr1-158639626-G-A. GRCh37 (hg19) VCF-style: chr1-158609416-G-A.
Other names: p.Leu1646Phe; short protein forms L1646F.
Identifiers: ClinVar variation 874368 (VCV000874368.5), dbSNP rs772331386, ClinGen allele CA1182491.

ClinVar aggregate classification (germline): Uncertain significance. Review status: criteria provided, multiple submitters, no conflicts (2 of 4 stars). 4 submissions from 2 submitters: Uncertain significance (4). Last evaluated 2023-07-21.

Conditions:
Hereditary spherocytosis type 3. Also called: Spherocytosis type 3; SPTA1-Related Spherocytosis. Identifiers: Orphanet 822, MedGen C2678338, MONDO:0010053, OMIM 270970.
Pyropoikilocytosis, hereditary. Also called: Pyropoikilocytosis. Identifiers: MedGen C0520739, MONDO:0009948, OMIM 266140, HP:0004839. Disease mechanism: loss of function.
Elliptocytosis 2 (EL2). Also called: ELLIPTOCYTOSIS, RHESUS-UNLINKED TYPE. Identifiers: Orphanet 288, MedGen C1851741, MONDO:0007533, OMIM 130600.

Allele frequency attached by ClinVar (database versions not stated): ExAC 0.00003; gnomAD exomes 0.00004 and 0.00012; TOPMed 0.00009; gnomAD 0.00011.
gnomAD v4.1: 193 of 1,613,808 alleles (0.012%); highest among the groups gnomAD compares: Non-Finnish European, 0.016%; no homozygotes.

Submissions (4):

Mayo Clinic Laboratories, Mayo Clinic
Classification: Uncertain significance. Last evaluated: 2023-07-21. Review status: criteria provided, single submitter. Criteria: ACMG Guidelines, 2015. Collection method: clinical testing. Allele origin: germline. Observed: 1 variant allele.
Comment: PM2_moderate

Illumina Laboratory Services, Illumina
Classification: Uncertain significance for Hereditary spherocytosis type 3. Last evaluated: 2018-01-12. Review status: criteria provided, single submitter. Criteria: ICSL Variant Classification Criteria 13 December 2019. Collection method: clinical testing. Allele origin: germline.

Illumina Laboratory Services, Illumina
Classification: Uncertain significance for Elliptocytosis 2. Last evaluated: 2018-01-12. Review status: criteria provided, single submitter. Criteria: ICSL Variant Classification Criteria 13 December 2019. Collection method: clinical testing. Allele origin: germline.

Illumina Laboratory Services, Illumina
Classification: Uncertain significance for Pyropoikilocytosis, hereditary. Last evaluated: 2018-01-12. Review status: criteria provided, single submitter. Criteria: ICSL Variant Classification Criteria 13 December 2019. Collection method: clinical testing. Allele origin: germline.